The following is an entry in ClinVar:

NM_004370.6(COL12A1):c.5205T>G (p.Asp1735Glu)

Gene: COL12A1 (collagen type XII alpha 1 chain; minus strand). Cytogenetic location: 6q13.
Variant type: single nucleotide variant.
Coding change: c.5205T>G on transcript NM_004370.6 (MANE Select); coding-DNA position 5205, T replaced by G.
Protein change: p.Asp1735Glu; replaces aspartic acid 1735 with glutamic acid.
Molecular consequence: missense variant.
Genome position (GRCh38, 1-based): chr6:75,138,473, A>C on the plus strand (T>G on the coding strand, the complement: COL12A1 is on the minus strand). VCF-style: chr6-75138473-A-C. GRCh37 (hg19) VCF-style: chr6-75848189-A-C.
Other names: c.5205T>G, p.Asp1735Glu (NM_001424113.1, NM_001424114.1); c.4932T>G, p.Asp1644Glu (NM_001424115.1); c.1713T>G, p.Asp571Glu (NM_001424116.1, NM_080645.3); short protein forms D1644E, D1735E, D571E.
Identifiers: ClinVar variation 3749903 (VCV003749903.2).

ClinVar aggregate classification (germline): Uncertain significance (1 of 4 stars; one submission).

Conditions:
Ullrich congenital muscular dystrophy 2 (UCMD2). Identifiers: Orphanet 75840, MedGen C4225314, MONDO:0014654, OMIM 616470.
Bethlem myopathy 2 (BTHLM2). Identifiers: Orphanet 536516, Orphanet 610, MedGen C4225313, MONDO:0034022, OMIM 616471.

Submission:

Labcorp Genetics (formerly Invitae), Labcorp
Classification: Uncertain significance for Bethlem myopathy 2; Ullrich congenital muscular dystrophy 2. Last evaluated: 2025-01-20. Review status: criteria provided, single submitter. Criteria: Invitae Variant Classification Sherloc (09022015). Collection method: clinical testing. Allele origin: germline.
Comment: This sequence change replaces aspartic acid, which is acidic and polar, with glutamic acid, which is acidic and polar, at codon 1735 of the COL12A1 protein (p.Asp1735Glu). This variant is not present in population databases (gnomAD no frequency). This variant has not been reported in the literature in individuals affected with COL12A1-related conditions. Invitae Evidence Modeling of protein sequence and biophysical properties (such as structural, functional, and spatial information, amino acid conservation, physicochemical variation, residue mobility, and thermodynamic stability) indicates that this missense variant is not expected to disrupt COL12A1 protein function with a negative predictive value of 80%. In summary, the available evidence is currently insufficient to determine the role of this variant in disease. Therefore, it has been classified as a Variant of Uncertain Significance.